The following is an entry in ClinVar:

ClinVar aggregate classification (germline): Benign; protective. Review status: no assertion criteria provided (0 of 4 stars). 2 submissions from 2 submitters: Benign (1). Last evaluated 2019-11-26.

Conditions:
KCNMB1-related disorder. Also called: KCNMB1-related condition.
HYPERTENSION, DIASTOLIC, RESISTANCE TO. Identifiers: MedGen C1837739, OMIM 608622.

Allele frequency attached by ClinVar (database versions not stated): ExAC 0.09600; gnomAD exomes 0.09692 and 0.09944; gnomAD 0.08717 and 0.08822; TOPMed 0.09405; 1000 Genomes Project 0.09465; 1000 Genomes Project 30x 0.09572.
gnomAD v4.1: 155,371 of 1,613,934 alleles (9.6%); highest among the groups gnomAD compares: Admixed American, 14%; 8,040 homozygotes.

Submissions (2):

PreventionGenetics, part of Exact Sciences
Classification: Benign for KCNMB1-related condition. Last evaluated: 2019-11-26. Review status: no assertion criteria provided. Collection method: clinical testing. Allele origin: germline.
Comment: This variant is classified as benign based on ACMG/AMP sequence variant interpretation guidelines (Richards et al. 2015 PMID: 25741868, with internal and published modifications).

OMIM
Classification: protective for HYPERTENSION, DIASTOLIC, RESISTANCE TO. Last evaluated: 2005-01-01. Review status: no assertion criteria provided. Collection method: literature only. Allele origin: germline.

Literature cited by the submitters: PubMed 15057310 (cited by OMIM); PubMed 16155733 (cited by OMIM).

NM_004137.4(KCNMB1):c.193G>A (p.Glu65Lys)

Genes: KCNIP1 (potassium voltage-gated channel interacting protein 1; plus strand), KCNMB1 (potassium calcium-activated channel subfamily M regulatory beta subunit 1; minus strand). Cytogenetic location: 5q35.1.
Variant type: single nucleotide variant.
Coding change: c.193G>A on transcript NM_004137.4 (MANE Select); coding-DNA position 193, G replaced by A.
Protein change: p.Glu65Lys; replaces glutamic acid 65 with lysine.
Molecular consequence: missense variant. On other transcripts: intron variant (1).
Genome position (GRCh38, 1-based): chr5:170,383,792, C>T on the plus strand (G>A on the coding strand, the complement: KCNMB1 is on the minus strand). VCF-style: chr5-170383792-C-T. GRCh37 (hg19) VCF-style: chr5-169810796-C-T.
Other names: c.88+29828C>T (NM_001034838.3); short protein forms E65K.
Identifiers: ClinVar variation 5941 (VCV000005941.6), dbSNP rs11739136, ClinGen allele CA117876.
Genomic context (GRCh38, chr5:170,383,792, plus strand): 5'-CGGCAGCTGACACGTTGACCCACAGGCATGGGTACTGGGGCACCTTCTTGCCCTTCAGCT[C>T]CTCCTGGTCCCTGATGTTGGTCTCAATCAGGTGGCACTTGGATTCCTGGGTCCACACGCT-3'
Protein context (NP_004128.1, residues 55-75): LIETNIRDQE[Glu65Lys]LKGKKVPQYP